The following is an entry in ClinVar:

NM_003072.5(SMARCA4):c.4155G>C (p.Glu1385Asp)

Gene: SMARCA4 (SWI/SNF related BAF chromatin remodeling complex subunit ATPase 4; plus strand). Cytogenetic location: 19p13.2.
Variant type: single nucleotide variant.
Coding change: c.4155G>C on transcript NM_003072.5 (MANE Select); coding-DNA position 4155, G replaced by C.
Protein change: p.Glu1385Asp; replaces glutamic acid 1385 with aspartic acid.
Molecular consequence: missense variant. On other transcripts: non-coding transcript variant (1).
Genome position (GRCh38, 1-based): chr19:11,035,117, G>C. VCF-style: chr19-11035117-G-C. GRCh37 (hg19) VCF-style: chr19-11145793-G-C.
Other names: c.4155G>C (NM_001128849.1); c.4155G>C, p.Glu1385Asp (NM_001128844.3, NM_001128849.3, NM_001387283.1); c.4056G>C, p.Glu1352Asp (NM_001128845.2, NM_001128846.2, NM_001128847.4 and 2 more transcripts); short protein forms E1352D, E1385D.
Identifiers: ClinVar variation 1518122 (VCV001518122.9), dbSNP rs1600407349, ClinGen allele CA404068654.

ClinVar aggregate classification (germline): Uncertain significance. Review status: criteria provided, multiple submitters, no conflicts (2 of 4 stars). 2 submissions from 2 submitters: Uncertain significance (2). Last evaluated 2025-01-23.

Conditions:
Rhabdoid tumor predisposition syndrome 2 (RTPS2). Identifiers: Orphanet 231108, Orphanet 69077, MedGen C2750074, MONDO:0013224, OMIM 613325.

Submissions (2):

GeneDx
Classification: Uncertain significance. Last evaluated: 2025-01-23. Review status: criteria provided, single submitter. Criteria: GeneDx Variant Classification Process June 2021. Collection method: clinical testing. Allele origin: germline. Affected: yes.
Comment: Not observed at significant frequency in large population cohorts (gnomAD); In silico analysis indicates that this missense variant does not alter protein structure/function; Has not been previously published as pathogenic or benign to our knowledge

Labcorp Genetics (formerly Invitae), Labcorp
Classification: Uncertain significance for Rhabdoid tumor predisposition syndrome 2. Last evaluated: 2021-01-20. Review status: criteria provided, single submitter. Criteria: Invitae Variant Classification Sherloc (09022015). Collection method: clinical testing. Allele origin: germline.
Comment: This sequence change replaces glutamic acid with aspartic acid at codon 1385 of the SMARCA4 protein (p.Glu1385Asp). The glutamic acid residue is moderately conserved and there is a small physicochemical difference between glutamic acid and aspartic acid. This variant is not present in population databases (ExAC no frequency). In summary, the available evidence is currently insufficient to determine the role of this variant in disease. Therefore, it has been classified as a Variant of Uncertain Significance. Algorithms developed to predict the effect of missense changes on protein structure and function are either unavailable or do not agree on the potential impact of this missense change (SIFT: "Deleterious"; PolyPhen-2: "Benign"; Align-GVGD: "Class C0"). This variant has not been reported in the literature in individuals with SMARCA4-related conditions.